The following is an entry in ClinVar:

ClinVar aggregate classification (germline): Benign (1 of 4 stars; one submission).

Conditions:
Auriculocondylar syndrome 2 (ARCND2A). Also called: AURICULOCONDYLAR SYNDROME 2A. Identifiers: Orphanet 137888, MedGen C3553404, MONDO:0013845, OMIM 614669.

Allele frequency attached by ClinVar (database versions not stated): gnomAD 0.00001; gnomAD exomes 0.00001; 1000 Genomes Project 30x 0.00031; 1000 Genomes Project 0.00040.
gnomAD v4.1: 2 of 1,613,270 alleles (0.00012%); highest among the groups gnomAD compares: East Asian, 0.0045%; no homozygotes.

Submission:

Illumina Laboratory Services, Illumina
Classification: Benign for Auriculocondylar syndrome 2. Last evaluated: 2018-01-12. Review status: criteria provided, single submitter. Criteria: ICSL Variant Classification Criteria 13 December 2019. Collection method: clinical testing. Allele origin: germline.
Comment: This variant was observed in the ICSL laboratory as part of a predisposition screen in an ostensibly healthy population. It had not been previously curated by ICSL or reported in the Human Gene Mutation Database (HGMD: prior to June 1st, 2018), and was therefore a candidate for classification through an automated scoring system. Utilizing variant allele frequency, disease prevalence and penetrance estimates, and inheritance mode, an automated score was calculated to assess if this variant is too frequent to cause the disease. Based on the score and internal cut-off values, a variant classified as benign is not then subjected to further curation. The score for this variant resulted in a classification of benign for this disease.

NM_001377142.1(PLCB4):c.3119T>C (p.Ile1040Thr)

Gene: PLCB4 (phospholipase C beta 4; plus strand). Cytogenetic location: 20p12.2.
Variant type: single nucleotide variant.
Coding change: c.3119T>C on transcript NM_001377142.1 (MANE Select); coding-DNA position 3119, T replaced by C.
Protein change: p.Ile1040Thr; replaces isoleucine 1040 with threonine.
Molecular consequence: missense variant.
Genome position (GRCh38, 1-based): chr20:9,459,681, T>C. VCF-style: chr20-9459681-T-C. GRCh37 (hg19) VCF-style: chr20-9440328-T-C.
Other names: c.3083T>C, p.Ile1028Thr (NM_000933.4, NM_001377134.2, NM_001377135.1 and 2 more transcripts); c.3119T>C, p.Ile1040Thr (NM_001172646.2, NM_001377143.1); short protein forms I1028T, I1040T.
Identifiers: ClinVar variation 339590 (VCV000339590.5), dbSNP rs530143044, ClinGen allele CA10652845.